The following is an entry in ClinVar:

NM_014915.3(ANKRD26):c.2698-2A>G

Gene: ANKRD26 (ankyrin repeat domain 26; minus strand). Cytogenetic location: 10p12.1.
Variant type: single nucleotide variant.
Coding change: c.2698-2A>G on transcript NM_014915.3 (MANE Select); the canonical splice acceptor site of the intron before coding-DNA position 2698, A replaced by G.
Molecular consequence: splice acceptor variant.
Genome position (GRCh38, 1-based): chr10:27,035,754, T>C on the plus strand (A>G on the coding strand, the complement: ANKRD26 is on the minus strand). VCF-style: chr10-27035754-T-C. GRCh37 (hg19) VCF-style: chr10-27324683-T-C.
Other names: c.2695-2A>G (NM_001256053.2).
Identifiers: ClinVar variation 3364060 (VCV003364060.3).

ClinVar aggregate classification (germline): Uncertain significance. Review status: criteria provided, multiple submitters, no conflicts (2 of 4 stars). 2 submissions from 2 submitters: Uncertain significance (2). Last evaluated 2024-07-10.

gnomAD v4.1: 1 of 1,597,154 alleles (0.000063%); highest among the groups gnomAD compares: Admixed American, 0.0017%; no homozygotes.

Submissions (2):

Labcorp Genetics (formerly Invitae), Labcorp
Classification: Uncertain significance. Last evaluated: 2024-07-10. Review status: criteria provided, single submitter. Criteria: Invitae Variant Classification Sherloc (09022015). Collection method: clinical testing. Allele origin: germline.
Comment: This sequence change affects an acceptor splice site in intron 23 of the ANKRD26 gene. It is expected to disrupt RNA splicing. Variants that disrupt the donor or acceptor splice site typically lead to a loss of protein function (PMID: 16199547), however the current clinical and genetic evidence is not sufficient to establish whether loss-of-function variants in ANKRD26 cause disease. The frequency data for this variant in the population databases is considered unreliable, as metrics indicate poor data quality at this position in the gnomAD database. This variant has not been reported in the literature in individuals affected with ANKRD26-related conditions. Algorithms developed to predict the effect of sequence changes on RNA splicing suggest that this variant may disrupt the consensus splice site. In summary, the available evidence is currently insufficient to determine the role of this variant in disease. Therefore, it has been classified as a Variant of Uncertain Significance.

GeneDx
Classification: Uncertain significance. Last evaluated: 2023-11-10. Review status: criteria provided, single submitter. Criteria: GeneDx Variant Classification Process June 2021. Collection method: clinical testing. Allele origin: germline. Affected: yes.
Comment: Not observed at significant frequency in large population cohorts (gnomAD); Has not been previously published as pathogenic or benign to our knowledge; Canonical splice site variant predicted to result in protein truncation or nonsense mediated decay in a gene for which loss-of-function is not a known mechanism of disease

Literature cited by the submitters: PubMed 16199547 (cited by Labcorp Genetics (formerly Invitae), Labcorp).